The following is an entry in ClinVar:

NM_006947.4(SRP72):c.775G>A (p.Asp259Asn)

Gene: SRP72 (signal recognition particle 72; plus strand). Cytogenetic location: 4q12.
Variant type: single nucleotide variant.
Coding change: c.775G>A on transcript NM_006947.4 (MANE Select); coding-DNA position 775, G replaced by A.
Protein change: p.Asp259Asn; replaces aspartic acid 259 with asparagine.
Molecular consequence: missense variant. On other transcripts: non-coding transcript variant (1), intron variant (1).
Genome position (GRCh38, 1-based): chr4:56,478,599, G>A. VCF-style: chr4-56478599-G-A. GRCh37 (hg19) VCF-style: chr4-57344765-G-A.
Other names: c.642+1897G>A (NM_001267722.2); short protein forms D259N.
Identifiers: ClinVar variation 3801405 (VCV003801405.1).

ClinVar aggregate classification (germline): Uncertain significance (1 of 4 stars; one submission).

Submission:

Ambry Genetics
Classification: Uncertain significance. Last evaluated: 2024-12-15. Review status: criteria provided, single submitter. Criteria: Ambry Variant Classification Scheme 2023. Collection method: clinical testing. Allele origin: germline.
Comment: The p.D259N variant (also known as c.775G>A), located in coding exon 8 of the SRP72 gene, results from a G to A substitution at nucleotide position 775. The aspartic acid at codon 259 is replaced by asparagine, an amino acid with highly similar properties. This amino acid position is conserved. In addition, this alteration is predicted to be tolerated by in silico analysis. Based on the available evidence, the clinical significance of this variant remains unclear.